The following is an entry in ClinVar:

NM_001271803.2(REEP2):c.696+13G>A

Gene: REEP2 (receptor accessory protein 2; plus strand). Cytogenetic location: 5q31.2.
Variant type: single nucleotide variant.
Coding change: c.696+13G>A on transcript NM_001271803.2 (MANE Select); 13 bases into the intron after coding-DNA position 696, G replaced by A.
Molecular consequence: intron variant.
Genome position (GRCh38, 1-based): chr5:138,445,611, G>A. VCF-style: chr5-138445611-G-A. GRCh37 (hg19) VCF-style: chr5-137781300-G-A.
Other names: c.690+13G>A (NM_016606.4).
Identifiers: ClinVar variation 1584570 (VCV001584570.11), dbSNP rs190729345, ClinGen allele CA3429890.

ClinVar aggregate classification (germline): Benign/Likely benign. Review status: criteria provided, multiple submitters, no conflicts (2 of 4 stars). 2 submissions from 2 submitters: Benign (1); Likely benign (1). Last evaluated 2026-01-05.

Conditions:
Hereditary spastic paraplegia 72 (SPG72A). Also called: Spastic paraplegia 72, autosomal recessive. Identifiers: Orphanet 401849, MedGen C5882669, MONDO:0014282, OMIM 615625.

Allele frequency attached by ClinVar (database versions not stated): 1000 Genomes Project 0.00120; 1000 Genomes Project 30x 0.00125; TOPMed 0.00394; ESP Exome Variant Server 0.00469; gnomAD 0.00488 and 0.00525; gnomAD exomes 0.00539 and 0.00681; ExAC 0.00545.

Submissions (2):

Labcorp Genetics (formerly Invitae), Labcorp
Classification: Benign for Hereditary spastic paraplegia 72. Last evaluated: 2026-01-05. Review status: criteria provided, single submitter. Criteria: Invitae Variant Classification Sherloc (09022015). Collection method: clinical testing. Allele origin: germline.

GeneDx
Classification: Likely benign. Last evaluated: 2021-11-15. Review status: criteria provided, single submitter. Criteria: GeneDx Variant Classification Process June 2021. Collection method: clinical testing. Allele origin: germline. Affected: yes.
Comment: See Variant Classification Assertion Criteria.